The following is an entry in ClinVar:

ClinVar aggregate classification (germline): Uncertain significance (1 of 4 stars; one submission).

Allele frequency attached by ClinVar (database versions not stated): gnomAD exomes below 0.00001; TOPMed 0.00002.

Submission:

Labcorp Genetics (formerly Invitae), Labcorp
Classification: Uncertain significance. Last evaluated: 2020-10-23. Review status: criteria provided, single submitter. Criteria: Invitae Variant Classification Sherloc (09022015). Collection method: clinical testing. Allele origin: germline.
Comment: This sequence change replaces valine with phenylalanine at codon 845 of the REST protein (p.Val845Phe). The valine residue is highly conserved and there is a small physicochemical difference between valine and phenylalanine. In summary, the available evidence is currently insufficient to determine the role of this variant in disease. Therefore, it has been classified as a Variant of Uncertain Significance. Algorithms developed to predict the effect of missense changes on protein structure and function are either unavailable or do not agree on the potential impact of this missense change (SIFT: "Deleterious"; PolyPhen-2: "Probably Damaging"; Align-GVGD: "Class C0"). This variant has not been reported in the literature in individuals with REST-related conditions. This variant is not present in population databases (ExAC no frequency).

NM_005612.5(REST):c.2533G>T (p.Val845Phe)

Gene: REST (RE1 silencing transcription factor; plus strand). Cytogenetic location: 4q12.
Variant type: single nucleotide variant.
Coding change: c.2533G>T on transcript NM_005612.5 (MANE Select); coding-DNA position 2533, G replaced by T.
Protein change: p.Val845Phe; replaces valine 845 with phenylalanine.
Molecular consequence: missense variant.
Genome position (GRCh38, 1-based): chr4:56,931,391, G>T. VCF-style: chr4-56931391-G-T. GRCh37 (hg19) VCF-style: chr4-57797557-G-T.
Other names: c.2533G>T, p.Val845Phe (NM_001193508.2, NM_001363453.3); short protein forms V845F.
Identifiers: ClinVar variation 1044467 (VCV001044467.9), dbSNP rs1312502963, ClinGen allele CA357008987.